The following is an entry in ClinVar:

NM_000053.4(ATP7B):c.3959G>C (p.Arg1320Thr)

Gene: ATP7B (ATPase copper transporting beta; minus strand). Cytogenetic location: 13q14.3.
Variant type: single nucleotide variant.
Coding change: c.3959G>C on transcript NM_000053.4 (MANE Select); coding-DNA position 3959, G replaced by C.
Protein change: p.Arg1320Thr; replaces arginine 1320 with threonine.
Molecular consequence: missense variant.
Genome position (GRCh38, 1-based): chr13:51,937,338, C>G on the plus strand (G>C on the coding strand, the complement: ATP7B is on the minus strand). VCF-style: chr13-51937338-C-G. GRCh37 (hg19) VCF-style: chr13-52511474-C-G.
Other names: c.3338G>C, p.Arg1113Thr (NM_001005918.3); c.3626G>C, p.Arg1209Thr (NM_001243182.2); c.3725G>C, p.Arg1242Thr (NM_001330578.2); c.3707G>C, p.Arg1236Thr (NM_001330579.2); short protein forms R1113T, R1242T, R1320T, R1209T, R1236T.
Identifiers: ClinVar variation 1479012 (VCV001479012.10), dbSNP rs548512104, ClinGen allele CA6988527.

ClinVar aggregate classification (germline): Conflicting classifications of pathogenicity. Review status: criteria provided, conflicting classifications (1 of 4 stars). 6 submissions from 6 submitters: Likely pathogenic (3); Uncertain significance (3). Last evaluated 2025-10-22.

Conditions:
Wilson disease (WND). Also called: Wilson's disease. Identifiers: Orphanet 905, MedGen C0019202, MONDO:0010200, OMIM 277900. Disease mechanism: loss of function.

Allele frequency attached by ClinVar (database versions not stated): gnomAD 0.00001; TOPMed 0.00003.
gnomAD v4.1: 16 of 1,614,072 alleles (0.00099%); highest among the groups gnomAD compares: Admixed American, 0.0033%; no homozygotes.

Submissions (6):

Labcorp Genetics (formerly Invitae), Labcorp
Classification: Likely pathogenic for Wilson disease. Last evaluated: 2025-10-22. Review status: criteria provided, single submitter. Criteria: Invitae Variant Classification Sherloc (09022015). Collection method: clinical testing. Allele origin: germline.
Comment: This sequence change replaces arginine, which is basic and polar, with threonine, which is neutral and polar, at codon 1320 of the ATP7B protein (p.Arg1320Thr). This variant is present in population databases (rs548512104, gnomAD 0.004%). This missense change has been observed in individual(s) with Wilson disease (PMID: 33640437). ClinVar contains an entry for this variant (Variation ID: 1479012). Invitae Evidence Modeling of protein sequence and biophysical properties (such as structural, functional, and spatial information, amino acid conservation, physicochemical variation, residue mobility, and thermodynamic stability) indicates that this missense variant is expected to disrupt ATP7B protein function with a positive predictive value of 80%. This variant disrupts the p.Arg1320 amino acid residue in ATP7B. Other variant(s) that disrupt this residue have been determined to be pathogenic (PMID: 23843956, 27398169). This suggests that this residue is clinically significant, and that variants that disrupt this residue are likely to be disease-causing. In summary, the currently available evidence indicates that the variant is pathogenic, but additional data are needed to prove that conclusively. Therefore, this variant has been classified as Likely Pathogenic.

Fulgent Genetics
Classification: Likely pathogenic for Wilson disease. Last evaluated: 2024-06-18. Review status: criteria provided, single submitter. Criteria: ACMG Guidelines, 2015. Collection method: clinical testing. Allele origin: germline.

Blueprint Genetics
Classification: Uncertain significance. Last evaluated: 2024-01-19. Review status: criteria provided, single submitter. Criteria: ACMG Guidelines, 2015. Collection method: clinical testing. Allele origin: germline.

All of Us Research Program, National Institutes of Health
Classification: Uncertain significance for Wilson disease. Last evaluated: 2023-12-13. Review status: criteria provided, single submitter. Criteria: ACMG Guidelines, 2015. Collection method: clinical testing. Allele origin: germline. Inheritance: Autosomal recessive inheritance. Observed: 3 variant alleles, 3 heterozygotes.
Comment: This missense variant replaces arginine with threonine at codon 1320 of the ATP7B protein. Computational prediction suggests that this variant may have deleterious impact on protein structure and function (internally defined REVEL score threshold >= 0.7, PMID: 27666373). To our knowledge, functional studies have not been reported for this variant. This variant has been reported in individuals affected with Wilson disease, including in the compound heterozygous state (PMID: 18034201, 23843956, 27398169, 33640437). This variant has been identified in 5/249584 chromosomes in the general population by the Genome Aggregation Database (gnomAD). The available evidence is insufficient to determine the role of this variant in disease conclusively. Therefore, this variant is classified as a Variant of Uncertain Significance.

This study involves interpretation of variants in research participants for the purpose of population health screening. Participant phenotype was not available at the time of variant classification. Additional details can be found in publication PMID: 35346344, PMCID: PMC8962531

Color Diagnostics, LLC DBA Color Health
Classification: Uncertain significance for Wilson disease. Last evaluated: 2022-08-02. Review status: criteria provided, single submitter. Criteria: ACMG Guidelines, 2015. Collection method: clinical testing. Allele origin: germline.
Comment: This missense variant replaces arginine with threonine at codon 1320 of the ATP7B protein. Computational prediction suggests that this variant may have deleterious impact on protein structure and function. To our knowledge, functional studies have not been reported for this variant. This variant has been reported in individuals affected with Wilson disease, including in the compound heterozygous state (PMID: 18034201, 23843956, 27398169, 33640437). This variant has been identified in 5/249584 chromosomes in the general population by the Genome Aggregation Database (gnomAD). The available evidence is insufficient to determine the role of this variant in disease conclusively. Therefore, this variant is classified as a Variant of Uncertain Significance.

Mendelics
Classification: Likely pathogenic for Wilson disease. Last evaluated: 2022-05-04. Review status: criteria provided, single submitter. Criteria: Mendelics Assertion Criteria 2019. Collection method: clinical testing. Allele origin: germline.

Literature cited by the submitters: PubMed 33640437 (cited by 3 submitters); PubMed 23843956 (cited by 3 submitters); PubMed 27398169 (cited by 3 submitters); PubMed 18034201 (cited by All of Us Research Program, National Institutes of Health and Color Diagnostics, LLC DBA Color Health).